The following is an entry in ClinVar:

NM_024529.5(CDC73):c.424-18A>G

Gene: CDC73 (cell division cycle 73; plus strand). Cytogenetic location: 1q31.2.
Variant type: single nucleotide variant.
Coding change: c.424-18A>G on transcript NM_024529.5 (MANE Select); 18 bases into the intron before coding-DNA position 424, A replaced by G.
Molecular consequence: intron variant.
Genome position (GRCh38, 1-based): chr1:193,138,067, A>G. VCF-style: chr1-193138067-A-G. GRCh37 (hg19) VCF-style: chr1-193107197-A-G.
Identifiers: ClinVar variation 3693172 (VCV003693172.2).

ClinVar aggregate classification (germline): Uncertain significance (1 of 4 stars; one submission).

Conditions:
Parathyroid carcinoma (PRTC). Also called: Parathyroid gland carcinoma; CDC73-Related Parathyroid Carcinoma. Identifiers: Orphanet 143, MedGen C0687150, MONDO:0012004, OMIM 608266, HP:0006780.

Submission:

Labcorp Genetics (formerly Invitae), Labcorp
Classification: Uncertain significance for Parathyroid carcinoma. Last evaluated: 2024-07-10. Review status: criteria provided, single submitter. Criteria: Invitae Variant Classification Sherloc (09022015). Collection method: clinical testing. Allele origin: germline.
Comment: This sequence change falls in intron 5 of the CDC73 gene. It does not directly change the encoded amino acid sequence of the CDC73 protein. This variant is not present in population databases (gnomAD no frequency). This variant has not been reported in the literature in individuals affected with CDC73-related conditions. Algorithms developed to predict the effect of sequence changes on RNA splicing suggest that this variant may disrupt the consensus splice site. In summary, the available evidence is currently insufficient to determine the role of this variant in disease. Therefore, it has been classified as a Variant of Uncertain Significance.